The following is an entry in ClinVar:

NM_001130144.3(LTBP3):c.2318G>A (p.Gly773Asp)

Genes: LTBP3 (latent transforming growth factor beta binding protein 3; minus strand), LOC130006029 (ATAC-STARR-seq lymphoblastoid silent region 3532; plus strand). Cytogenetic location: 11q13.1.
Variant type: single nucleotide variant.
Coding change: c.2318G>A on transcript NM_001130144.3 (MANE Select); coding-DNA position 2318, G replaced by A.
Protein change: p.Gly773Asp; replaces glycine 773 with aspartic acid.
Molecular consequence: missense variant.
Genome position (GRCh38, 1-based): chr11:65,546,477, C>T on the plus strand (G>A on the coding strand, the complement: LTBP3 is on the minus strand). VCF-style: chr11-65546477-C-T. GRCh37 (hg19) VCF-style: chr11-65313948-C-T.
Other names: c.1967G>A, p.Gly656Asp (NM_001164266.1); c.2318G>A, p.Gly773Asp (NM_021070.4); short protein forms G656D, G773D.
Identifiers: ClinVar variation 3868976 (VCV003868976.1).

ClinVar aggregate classification (germline): Uncertain significance (1 of 4 stars; one submission).

Conditions:
Inborn genetic diseases. Identifiers: MedGen C0950123, MeSH D030342.

gnomAD v4.1: 3 of 1,591,104 alleles (0.00019%); highest among the groups gnomAD compares: African/African-American, 0.004%; no homozygotes.

Submission:

Ambry Genetics
Classification: Uncertain significance for Inborn genetic diseases. Last evaluated: 2025-02-01. Review status: criteria provided, single submitter. Criteria: Ambry Variant Classification Scheme 2023. Collection method: clinical testing. Allele origin: germline.
Comment: The p.G773D variant (also known as c.2318G>A), located in coding exon 16 of the LTBP3 gene, results from a G to A substitution at nucleotide position 2318. The glycine at codon 773 is replaced by aspartic acid, an amino acid with similar properties. This amino acid position is conserved. In addition, this alteration is predicted to be deleterious by in silico analysis. Based on the available evidence, the clinical significance of this variant remains unclear.